The following is an entry in ClinVar:

NC_000019.10:g.39480683_39480684insGG

Gene: TIMM50 (translocase of inner mitochondrial membrane 50; plus strand). Cytogenetic location: 19q13.2.
Variant type: Insertion.
Genome position: GRCh38 VCF-style: chr19-39480682-A-AGG. GRCh37 (hg19) VCF-style: chr19-39971322-A-AGG.
Identifiers: ClinVar variation 2013535 (VCV002013535.4), dbSNP rs2514608886, ClinGen allele CA2580097222.

ClinVar aggregate classification (germline): Uncertain significance (1 of 4 stars; one submission).

Submission:

Labcorp Genetics (formerly Invitae), Labcorp
Classification: Uncertain significance. Last evaluated: 2022-07-03. Review status: criteria provided, single submitter. Criteria: Invitae Variant Classification Sherloc (09022015). Collection method: clinical testing. Allele origin: germline.
Comment: In summary, the available evidence is currently insufficient to determine the role of this variant in disease. Therefore, it has been classified as a Variant of Uncertain Significance. This variant has not been reported in the literature in individuals affected with TIMM50-related conditions. This variant is not present in population databases (gnomAD no frequency). This sequence change creates a premature translational stop signal (p.Ala47Glyfs*5) in the TIMM50 gene. It is expected to result in an absent or disrupted protein product. However, the current clinical and genetic evidence is not sufficient to establish whether loss-of-function variants in TIMM50 cause disease.